The following is an entry in ClinVar:

ClinVar aggregate classification (germline): Uncertain significance. Review status: criteria provided, multiple submitters, no conflicts (2 of 4 stars). 2 submissions from 2 submitters: Uncertain significance (2). Last evaluated 2025-10-29.

Conditions:
Inborn genetic diseases. Identifiers: MedGen C0950123, MeSH D030342.
Leber congenital amaurosis 13 (LCA13). Identifiers: MedGen C2675186, MONDO:0012990, OMIM 612712.

Allele frequency attached by ClinVar (database versions not stated): ExAC 0.00002.
gnomAD v4.1: 6 of 1,595,556 alleles (0.00038%); highest among the groups gnomAD compares: Admixed American, 0.0084%; no homozygotes.

Submissions (2):

Labcorp Genetics (formerly Invitae), Labcorp
Classification: Uncertain significance for Leber congenital amaurosis 13. Last evaluated: 2025-10-29. Review status: criteria provided, single submitter. Criteria: Invitae Variant Classification Sherloc (09022015). Collection method: clinical testing. Allele origin: germline.
Comment: This sequence change replaces threonine, which is neutral and polar, with isoleucine, which is neutral and non-polar, at codon 33 of the RDH12 protein (p.Thr33Ile). This variant is present in population databases (rs754961172, gnomAD 0.006%). This variant has not been reported in the literature in individuals affected with RDH12-related conditions. ClinVar contains an entry for this variant (Variation ID: 2911777). Invitae Evidence Modeling of protein sequence and biophysical properties (such as structural, functional, and spatial information, amino acid conservation, physicochemical variation, residue mobility, and thermodynamic stability) indicates that this missense variant is not expected to disrupt RDH12 protein function with a negative predictive value of 80%. In summary, the available evidence is currently insufficient to determine the role of this variant in disease. Therefore, it has been classified as a Variant of Uncertain Significance.

Ambry Genetics
Classification: Uncertain significance for Inborn genetic diseases. Last evaluated: 2025-08-30. Review status: criteria provided, single submitter. Criteria: Ambry Variant Classification Scheme 2023. Collection method: clinical testing. Allele origin: germline.

NM_152443.3(RDH12):c.98C>T (p.Thr33Ile)

Genes: RDH12 (retinol dehydrogenase 12; plus strand), GPHN (gephyrin; plus strand). Cytogenetic location: 14q24.1.
Variant type: single nucleotide variant.
Coding change: c.98C>T on transcript NM_152443.3 (MANE Select); coding-DNA position 98, C replaced by T.
Protein change: p.Thr33Ile; replaces threonine 33 with isoleucine.
Molecular consequence: missense variant.
Genome position (GRCh38, 1-based): chr14:67,724,502, C>T. VCF-style: chr14-67724502-C-T. GRCh37 (hg19) VCF-style: chr14-68191219-C-T.
Other names: c.98C>T (NM_152443.2); short protein forms T33I.
Identifiers: ClinVar variation 2911777 (VCV002911777.4), dbSNP rs754961172, ClinGen allele CA7238602.
Genomic context (GRCh38, chr14:67,724,502, plus strand): 5'-TACGTGATGCTCTTGTTTCCCTTGCCGATAGGAAGTTCTTTGCTGGTGGAGTGTGTAGAA[C>T]AAATGTGCAGCTTCCTGGCAAGGTAGTGGTGATCACTGGCGCCAACACGGGCATTGGCAA-3'
Protein context (NP_689656.2, residues 23-43): RKFFAGGVCR[Thr33Ile]NVQLPGKVVV